The following is an entry in ClinVar:

ClinVar aggregate classification (germline): Uncertain significance (1 of 4 stars; one submission).

Conditions:
Ullrich congenital muscular dystrophy 2 (UCMD2). Identifiers: Orphanet 75840, MedGen C4225314, MONDO:0014654, OMIM 616470.
Bethlem myopathy 2 (BTHLM2). Identifiers: Orphanet 536516, Orphanet 610, MedGen C4225313, MONDO:0034022, OMIM 616471.

Allele frequency attached by ClinVar (database versions not stated): gnomAD exomes 0.00001; TOPMed below 0.00001.
gnomAD v4.1: 7 of 1,559,508 alleles (0.00045%); highest among the groups gnomAD compares: South Asian, 0.0024%; no homozygotes.

Submission:

Labcorp Genetics (formerly Invitae), Labcorp
Classification: Uncertain significance for Bethlem myopathy 2; Ullrich congenital muscular dystrophy 2. Last evaluated: 2025-03-26. Review status: criteria provided, single submitter. Criteria: Invitae Variant Classification Sherloc (09022015). Collection method: clinical testing. Allele origin: germline.
Comment: This sequence change replaces arginine, which is basic and polar, with cysteine, which is neutral and slightly polar, at codon 2779 of the COL12A1 protein (p.Arg2779Cys). This variant is not present in population databases (gnomAD no frequency). This variant has not been reported in the literature in individuals affected with COL12A1-related conditions. ClinVar contains an entry for this variant (Variation ID: 1448925). Invitae Evidence Modeling of protein sequence and biophysical properties (such as structural, functional, and spatial information, amino acid conservation, physicochemical variation, residue mobility, and thermodynamic stability) has been performed for this missense variant. However, the output from this modeling did not meet the statistical confidence thresholds required to predict the impact of this variant on COL12A1 protein function. In summary, the available evidence is currently insufficient to determine the role of this variant in disease. Therefore, it has been classified as a Variant of Uncertain Significance.

NM_004370.6(COL12A1):c.8335C>T (p.Arg2779Cys)

Gene: COL12A1 (collagen type XII alpha 1 chain; minus strand). Cytogenetic location: 6q13.
Variant type: single nucleotide variant.
Coding change: c.8335C>T on transcript NM_004370.6 (MANE Select); coding-DNA position 8335, C replaced by T.
Protein change: p.Arg2779Cys; replaces arginine 2779 with cysteine.
Molecular consequence: missense variant.
Genome position (GRCh38, 1-based): chr6:75,102,677, G>A on the plus strand (C>T on the coding strand, the complement: COL12A1 is on the minus strand). VCF-style: chr6-75102677-G-A. GRCh37 (hg19) VCF-style: chr6-75812393-G-A.
Other names: c.4843C>T, p.Arg1615Cys (NM_080645.3); short protein forms R1615C, R2779C.
Identifiers: ClinVar variation 1448925 (VCV001448925.8), dbSNP rs1768362148, ClinGen allele CA364739752.
Genomic context (GRCh38, chr6:75,102,677, plus strand): 5'-GTCCATTGGGTCCCTGAGGGCCTGGAGGACCCTGGGGGCCTGGAGGACCTATGTCTCCAC[G>A]AGGACCAGGGGGCCCCTAAAATACACAAGAGAGAGACAACCACAAAGTAATGTAATACCT-3'
Protein context (NP_004361.3, residues 2769-2789): ISGAIGPPGP[Arg2779Cys]GDIGPPGPQG